The following is an entry in ClinVar:

NM_007194.4(CHEK2):c.992_999delinsGCTT (p.Met331fs)

Gene: CHEK2 (checkpoint kinase 2; minus strand). Cytogenetic location: 22q12.1.
Variant type: Indel.
Coding change: c.992_999delinsGCTT on transcript NM_007194.4 (MANE Select); coding-DNA positions 992 to 999, TGCTCTTG replaced by GCTT.
Protein change: p.Met331fs; shifts the reading frame from methionine 331.
Molecular consequence: frameshift variant.
Genome position (GRCh38, 1-based): chr22:28,699,847-28,699,854, CAAGAGCA replaced by AAGC on the plus strand (TGCTCTTG replaced by GCTT on the coding strand, the reverse complement: CHEK2 is on the minus strand). VCF-style: chr22-28699847-CAAGAGCA-AAGC. GRCh37 (hg19) VCF-style: chr22-29095835-CAAGAGCA-AAGC.
Other names: c.1121_1128delTGCTCTTGinsGCTT, p.Met374Serfs (NM_001005735.3); c.329_336delTGCTCTTGinsGCTT, p.Met110Serfs (NM_001257387.3); c.791_798delTGCTCTTGinsGCTT, p.Met264Serfs (NM_001349956.3); c.992_999delTGCTCTTGinsGCTT, p.Met331Serfs (NM_145862.3); short protein forms M110fs, M264fs, M331fs, M374fs.
Identifiers: ClinVar variation 2584141 (VCV002584141.2), dbSNP rs2517847375, ClinGen allele CA2582342812.

ClinVar aggregate classification (germline): Pathogenic (1 of 4 stars; one submission).

Conditions:
Familial cancer of breast. Also called: BREAST CANCER, FAMILIAL; hereditary breast carcinoma; Hereditary breast cancer. Identifiers: Orphanet 227535, MedGen C0346153, MONDO:0016419, OMIM 114480. Disease mechanism: loss of function.

Submission:

Myriad Genetics, Inc.
Classification: Pathogenic for Familial cancer of breast. Last evaluated: 2023-06-27. Review status: criteria provided, single submitter. Criteria: Myriad Autosomal Dominant, Autosomal Recessive and X-Linked Classification Criteria (2023). Collection method: clinical testing. Allele origin: unknown.
Comment: This variant is considered pathogenic. This variant creates a frameshift predicted to result in premature protein truncation.